The following is an entry in ClinVar:

NM_181552.4(CUX1):c.4240C>T (p.Pro1414Ser)

Gene: CUX1 (cut like homeobox 1; plus strand). Cytogenetic location: 7q22.1.
Variant type: single nucleotide variant.
Coding change: c.4240C>T on transcript NM_181552.4 (MANE Select); coding-DNA position 4240, C replaced by T.
Protein change: p.Pro1414Ser; replaces proline 1414 with serine.
Molecular consequence: missense variant. On other transcripts: intron variant (5).
Genome position (GRCh38, 1-based): chr7:102,248,764, C>T. VCF-style: chr7-102248764-C-T. GRCh37 (hg19) VCF-style: chr7-101892044-C-T.
Other names: c.4273C>T, p.Pro1425Ser (NM_001202543.2); c.1256-24602C>T (NM_001913.5); c.1250-24602C>T (NM_181500.4); c.1118-24602C>T (NM_001202545.3); c.1208-24602C>T (NM_001202544.3); c.1139-24602C>T (NM_001202546.3); short protein forms P1414S, P1425S.
Identifiers: ClinVar variation 3771360 (VCV003771360.13).

ClinVar aggregate classification (germline): Uncertain significance (1 of 4 stars; one submission).

gnomAD v4.1: 2 of 1,034,652 alleles (0.00019%); highest among the groups gnomAD compares: East Asian, 0.0077%; no homozygotes.

Submission:

CeGaT Center for Human Genetics Tuebingen
Classification: Uncertain significance. Last evaluated: 2025-01-01. Review status: criteria provided, single submitter. Criteria: CeGaT Center For Human Genetics Tuebingen Variant Classification Criteria Version 2. Collection method: clinical testing. Allele origin: germline. Affected: yes. Observed: 1 variant allele.
Comment: CUX1: PM2, BP1